The following is an entry in ClinVar:

ClinVar aggregate classification (germline): Uncertain significance (1 of 4 stars; one submission).

Conditions:
Bardet-Biedl syndrome (BBS). Identifiers: Orphanet 110, MedGen C0752166, MONDO:0015229.

Allele frequency attached by ClinVar (database versions not stated): gnomAD exomes below 0.00001.
gnomAD v4.1: 1 of 1,614,040 alleles (0.000062%); highest among the groups gnomAD compares: Non-Finnish European, 0.000085%; no homozygotes.

Submission:

Labcorp Genetics (formerly Invitae), Labcorp
Classification: Uncertain significance for Bardet-Biedl syndrome. Last evaluated: 2024-10-29. Review status: criteria provided, single submitter. Criteria: Invitae Variant Classification Sherloc (09022015). Collection method: clinical testing. Allele origin: germline.
Comment: This sequence change replaces histidine, which is basic and polar, with tyrosine, which is neutral and polar, at codon 617 of the BBS2 protein (p.His617Tyr). This variant is not present in population databases (gnomAD no frequency). This variant has not been reported in the literature in individuals affected with BBS2-related conditions. ClinVar contains an entry for this variant (Variation ID: 1370937). Invitae Evidence Modeling of protein sequence and biophysical properties (such as structural, functional, and spatial information, amino acid conservation, physicochemical variation, residue mobility, and thermodynamic stability) has been performed for this missense variant. However, the output from this modeling did not meet the statistical confidence thresholds required to predict the impact of this variant on BBS2 protein function. In summary, the available evidence is currently insufficient to determine the role of this variant in disease. Therefore, it has been classified as a Variant of Uncertain Significance.

NM_031885.5(BBS2):c.1849C>T (p.His617Tyr)

Gene: BBS2 (Bardet-Biedl syndrome 2; minus strand). Cytogenetic location: 16q13.
Variant type: single nucleotide variant.
Coding change: c.1849C>T on transcript NM_031885.5 (MANE Select); coding-DNA position 1849, C replaced by T.
Protein change: p.His617Tyr; replaces histidine 617 with tyrosine.
Molecular consequence: missense variant. On other transcripts: non-coding transcript variant (5).
Genome position (GRCh38, 1-based): chr16:56,497,028, G>A on the plus strand (C>T on the coding strand, the complement: BBS2 is on the minus strand). VCF-style: chr16-56497028-G-A. GRCh37 (hg19) VCF-style: chr16-56530940-G-A.
Other names: c.1849C>T, p.His617Tyr (NM_001377456.1); short protein forms H617Y.
Identifiers: ClinVar variation 1370937 (VCV001370937.8), dbSNP rs2144130068, ClinGen allele CA395975572.
Genomic context (GRCh38, chr16:56,497,028, plus strand): 5'-TGTCCCTCATCAGACGAGCATCCTCAGCTCCGACCAGCAAACTTCGGATCAAATTAGAAT[G>A]ATCAGCCATATCAGCACTGAGCTTCTGATGCACTGAATGATATTCATCCACCTGGAGACC-3'
Protein context (NP_114091.4, residues 607-627): HQKLSADMAD[His617Tyr]SNLIRSLLVG